The following is an entry in ClinVar:

ClinVar aggregate classification (germline): Uncertain significance (1 of 4 stars; one submission).

Conditions:
Hyperaldosteronism, familial, type IV (HALD4). Also called: FH IV; ALDOSTERONISM, PRIMARY, AND HYPERTENSION. Identifiers: Orphanet 642671, MedGen C4310756, MONDO:0014875, OMIM 617027.
Idiopathic generalized epilepsy. Also called: EIG; Generalised epilepsy. Identifiers: MedGen C0270850, MONDO:0005579, OMIM 600669.

Submission:

Labcorp Genetics (formerly Invitae), Labcorp
Classification: Uncertain significance for Idiopathic generalized epilepsy; Hyperaldosteronism, familial, type IV. Last evaluated: 2023-10-29. Review status: criteria provided, single submitter. Criteria: Invitae Variant Classification Sherloc (09022015). Collection method: clinical testing. Allele origin: germline.
Comment: This sequence change replaces leucine, which is neutral and non-polar, with alanine, which is neutral and non-polar, at codon 195 of the CACNA1H protein (p.Leu195Ala). This variant is present in population databases (no rsID available, gnomAD 0.002%). This variant has not been reported in the literature in individuals affected with CACNA1H-related conditions. An algorithm developed to predict the effect of missense changes on protein structure and function (PolyPhen-2) suggests that this variant is likely to be disruptive. In summary, the available evidence is currently insufficient to determine the role of this variant in disease. Therefore, it has been classified as a Variant of Uncertain Significance.

NM_021098.3(CACNA1H):c.583_584delinsGC (p.Leu195Ala)

Gene: CACNA1H (calcium voltage-gated channel subunit alpha1 H; plus strand). Cytogenetic location: 16p13.3.
Variant type: Indel.
Coding change: c.583_584delinsGC on transcript NM_021098.3 (MANE Select); coding-DNA positions 583 to 584, CT replaced by GC.
Protein change: p.Leu195Ala; replaces leucine 195 with alanine.
Molecular consequence: missense variant.
Genome position (GRCh38, 1-based): chr16:1,195,963-1,195,964, CT replaced by GC. VCF-style: chr16-1195963-CT-GC. GRCh37 (hg19) VCF-style: chr16-1245963-CT-GC.
Other names: c.583_584delinsGC, p.Leu195Ala (NM_001005407.2); short protein forms L195A.
Identifiers: ClinVar variation 2933543 (VCV002933543.3), dbSNP rs2548609104, ClinGen allele CA2740096801.